The following is an entry in ClinVar:

NM_025137.4(SPG11):c.1255A>G (p.Ser419Gly)

Gene: SPG11 (SPG11 vesicle trafficking associated, spatacsin; minus strand). Cytogenetic location: 15q21.1.
Variant type: single nucleotide variant.
Coding change: c.1255A>G on transcript NM_025137.4 (MANE Select); coding-DNA position 1255, A replaced by G.
Protein change: p.Ser419Gly; replaces serine 419 with glycine.
Molecular consequence: missense variant.
Genome position (GRCh38, 1-based): chr15:44,651,692, T>C on the plus strand (A>G on the coding strand, the complement: SPG11 is on the minus strand). VCF-style: chr15-44651692-T-C. GRCh37 (hg19) VCF-style: chr15-44943890-T-C.
Other names: c.1255A>G, p.Ser419Gly (NM_001160227.2); short protein forms S419G.
Identifiers: ClinVar variation 1039015 (VCV001039015.6), dbSNP rs747719668, ClinGen allele CA7535585.

ClinVar aggregate classification (germline): Uncertain significance. Review status: criteria provided, multiple submitters, no conflicts (2 of 4 stars). 2 submissions from 2 submitters: Uncertain significance (2). Last evaluated 2024-01-31.

Conditions:
Hereditary spastic paraplegia 11. Also called: Spastic Paraplegia 11; SPASTIC PARAPLEGIA, AUTOSOMAL RECESSIVE, COMPLICATED, WITH THIN CORPUS CALLOSUM; SPASTIC PARAPLEGIA, AUTOSOMAL RECESSIVE, WITH MENTAL IMPAIRMENT AND THIN CORPUS CALLOSUM; Spastic paraplegia, mental retardation and thin corpus callosum; Nakamura Osame syndrome; Autosomal recessive hereditary spastic paraplegia, mental impairment, and thin corpus callosum. Identifiers: Orphanet 2822, MedGen C1858479, MONDO:0011445, OMIM 604360.

Allele frequency attached by ClinVar (database versions not stated): gnomAD exomes below 0.00001 and 0.00001; TOPMed below 0.00001; ExAC 0.00001.
gnomAD v4.1: 8 of 1,614,274 alleles (0.0005%); highest among the groups gnomAD compares: African/African-American, 0.0013%; no homozygotes.

Submissions (2):

Women's Health and Genetics/Laboratory Corporation of America, LabCorp
Classification: Uncertain significance. Last evaluated: 2024-01-31. Review status: criteria provided, single submitter. Criteria: LabCorp Variant Classification Summary - May 2015. Collection method: clinical testing. Allele origin: germline.
Comment: Variant summary: SPG11 c.1255A>G (p.Ser419Gly) results in a non-conservative amino acid change in the encoded protein sequence. Four of five in-silico tools predict a benign effect of the variant on protein function. The variant allele was found at a frequency of 8e-06 in 251472 control chromosomes (gnomAD. The available data on variant occurrences in the general population are insufficient to allow any conclusion about variant significance. To our knowledge, no occurrence of c.1255A>G in individuals affected with Hereditary Spastic Paraplegia, Type 11 and no experimental evidence demonstrating its impact on protein function have been reported. ClinVar contains an entry for this variant (Variation ID: 1039015). Based on the evidence outlined above, the variant was classified as uncertain significance.

Labcorp Genetics (formerly Invitae), Labcorp
Classification: Uncertain significance for Hereditary spastic paraplegia 11. Last evaluated: 2021-09-01. Review status: criteria provided, single submitter. Criteria: Invitae Variant Classification Sherloc (09022015). Collection method: clinical testing. Allele origin: germline.
Comment: This sequence change replaces serine with glycine at codon 419 of the SPG11 protein (p.Ser419Gly). The serine residue is weakly conserved and there is a small physicochemical difference between serine and glycine. This variant is present in population databases (rs747719668, ExAC 0.001%). This variant has not been reported in the literature in individuals affected with SPG11-related conditions. Algorithms developed to predict the effect of missense changes on protein structure and function output the following: SIFT: "Tolerated"; PolyPhen-2: "Benign"; Align-GVGD: "Class C0". The glycine amino acid residue is found in multiple mammalian species, which suggests that this missense change does not adversely affect protein function. In summary, the available evidence is currently insufficient to determine the role of this variant in disease. Therefore, it has been classified as a Variant of Uncertain Significance.